The following is an entry in ClinVar:

NM_001903.5(CTNNA1):c.780G>C (p.Gln260His)

Gene: CTNNA1 (catenin alpha 1; plus strand). Cytogenetic location: 5q31.2.
Variant type: single nucleotide variant.
Coding change: c.780G>C on transcript NM_001903.5 (MANE Select); coding-DNA position 780, G replaced by C.
Protein change: p.Gln260His; replaces glutamine 260 with histidine.
Molecular consequence: missense variant.
Genome position (GRCh38, 1-based): chr5:138,824,721, G>C. VCF-style: chr5-138824721-G-C. GRCh37 (hg19) VCF-style: chr5-138160410-G-C.
Other names: c.780G>C, p.Gln260His (NM_001290307.3, NM_001323982.2, NM_001323983.1 and 3 more transcripts); c.471G>C, p.Gln157His (NM_001290309.3); c.411G>C, p.Gln137His (NM_001290310.3); short protein forms Q137H, Q157H, Q260H.
Identifiers: ClinVar variation 1408129 (VCV001408129.6), dbSNP rs2149776424, ClinGen allele CA361129995.

ClinVar aggregate classification (germline): Uncertain significance (1 of 4 stars; one submission).

Submission:

Labcorp Genetics (formerly Invitae), Labcorp
Classification: Uncertain significance. Last evaluated: 2021-08-16. Review status: criteria provided, single submitter. Criteria: Invitae Variant Classification Sherloc (09022015). Collection method: clinical testing. Allele origin: germline.
Comment: In summary, the available evidence is currently insufficient to determine the role of this variant in disease. Therefore, it has been classified as a Variant of Uncertain Significance. Algorithms developed to predict the effect of missense changes on protein structure and function are either unavailable or do not agree on the potential impact of this missense change (SIFT: "Deleterious"; PolyPhen-2: "Possibly Damaging"; Align-GVGD: "Class C0"). This variant has not been reported in the literature in individuals affected with CTNNA1-related conditions. This variant is not present in population databases (ExAC no frequency). This sequence change replaces glutamine with histidine at codon 260 of the CTNNA1 protein (p.Gln260His). The glutamine residue is highly conserved and there is a small physicochemical difference between glutamine and histidine.